The following is an entry in ClinVar:

ClinVar aggregate classification (germline): Uncertain significance. Review status: criteria provided, multiple submitters, no conflicts (2 of 4 stars). 2 submissions from 2 submitters: Uncertain significance (2). Last evaluated 2024-10-31.

Conditions:
Inborn genetic diseases. Identifiers: MedGen C0950123, MeSH D030342.

Allele frequency attached by ClinVar (database versions not stated): gnomAD exomes 0.00001.
gnomAD v4.1: 28 of 1,613,338 alleles (0.0017%); highest among the groups gnomAD compares: Admixed American, 0.0033%; no homozygotes.

Submissions (2):

Labcorp Genetics (formerly Invitae), Labcorp
Classification: Uncertain significance. Last evaluated: 2024-10-31. Review status: criteria provided, single submitter. Criteria: Invitae Variant Classification Sherloc (09022015). Collection method: clinical testing. Allele origin: germline.
Comment: This sequence change replaces leucine, which is neutral and non-polar, with methionine, which is neutral and non-polar, at codon 229 of the OSGEP protein (p.Leu229Met). This variant is present in population databases (no rsID available, gnomAD 0.006%). This variant has not been reported in the literature in individuals affected with OSGEP-related conditions. ClinVar contains an entry for this variant (Variation ID: 1906728). Invitae Evidence Modeling of protein sequence and biophysical properties (such as structural, functional, and spatial information, amino acid conservation, physicochemical variation, residue mobility, and thermodynamic stability) indicates that this missense variant is not expected to disrupt OSGEP protein function with a negative predictive value of 80%. In summary, the available evidence is currently insufficient to determine the role of this variant in disease. Therefore, it has been classified as a Variant of Uncertain Significance.

Ambry Genetics
Classification: Uncertain significance for Inborn genetic diseases. Last evaluated: 2024-09-11. Review status: criteria provided, single submitter. Criteria: Ambry Variant Classification Scheme 2023. Collection method: clinical testing. Allele origin: germline.

NM_017807.4(OSGEP):c.685C>A (p.Leu229Met)

Gene: OSGEP (O-sialoglycoprotein endopeptidase; minus strand). Cytogenetic location: 14q11.2.
Variant type: single nucleotide variant.
Coding change: c.685C>A on transcript NM_017807.4 (MANE Select); coding-DNA position 685, C replaced by A.
Protein change: p.Leu229Met; replaces leucine 229 with methionine.
Molecular consequence: missense variant.
Genome position (GRCh38, 1-based): chr14:20,448,123, G>T on the plus strand (C>A on the coding strand, the complement: OSGEP is on the minus strand). VCF-style: chr14-20448123-G-T. GRCh37 (hg19) VCF-style: chr14-20916282-G-T.
Other names: c.685C>A (NM_017807.3); short protein forms L229M.
Identifiers: ClinVar variation 1906728 (VCV001906728.6), dbSNP rs540922409, ClinGen allele CA389119163.